The following is an entry in ClinVar:

ClinVar aggregate classification (germline): Uncertain significance (1 of 4 stars; one submission).

Submission:

Labcorp Genetics (formerly Invitae), Labcorp
Classification: Uncertain significance. Last evaluated: 2022-10-19. Review status: criteria provided, single submitter. Criteria: Invitae Variant Classification Sherloc (09022015). Collection method: clinical testing. Allele origin: germline.
Comment: This sequence change replaces alanine, which is neutral and non-polar, with aspartic acid, which is acidic and polar, at codon 501 of the SRP72 protein (p.Ala501Asp). This variant is not present in population databases (gnomAD no frequency). This variant has not been reported in the literature in individuals affected with SRP72-related conditions. Algorithms developed to predict the effect of missense changes on protein structure and function (SIFT, PolyPhen-2, Align-GVGD) all suggest that this variant is likely to be tolerated. In summary, the available evidence is currently insufficient to determine the role of this variant in disease. Therefore, it has been classified as a Variant of Uncertain Significance.

NM_006947.4(SRP72):c.1502C>A (p.Ala501Asp)

Gene: SRP72 (signal recognition particle 72; plus strand). Cytogenetic location: 4q12.
Variant type: single nucleotide variant.
Coding change: c.1502C>A on transcript NM_006947.4 (MANE Select); coding-DNA position 1502, C replaced by A.
Protein change: p.Ala501Asp; replaces alanine 501 with aspartic acid.
Molecular consequence: missense variant. On other transcripts: non-coding transcript variant (1).
Genome position (GRCh38, 1-based): chr4:56,490,645, C>A. VCF-style: chr4-56490645-C-A. GRCh37 (hg19) VCF-style: chr4-57356811-C-A.
Other names: c.1319C>A, p.Ala440Asp (NM_001267722.2); short protein forms A440D, A501D.
Identifiers: ClinVar variation 1721909 (VCV001721909.5), dbSNP rs767820780, ClinGen allele CA357001877.